The following is an entry in ClinVar:

NM_000384.3(APOB):c.4785T>G (p.Asn1595Lys)

Gene: APOB (apolipoprotein B; minus strand). Cytogenetic location: 2p24.1.
Variant type: single nucleotide variant.
Coding change: c.4785T>G on transcript NM_000384.3 (MANE Select); coding-DNA position 4785, T replaced by G.
Protein change: p.Asn1595Lys; replaces asparagine 1595 with lysine.
Molecular consequence: missense variant.
Genome position (GRCh38, 1-based): chr2:21,012,083, A>C on the plus strand (T>G on the coding strand, the complement: APOB is on the minus strand). VCF-style: chr2-21012083-A-C. GRCh37 (hg19) VCF-style: chr2-21234955-A-C.
Other names: short protein forms N1595K.
Identifiers: ClinVar variation 2451344 (VCV002451344.2), dbSNP rs1392161172, ClinGen allele CA346006124.

ClinVar aggregate classification (germline): Uncertain significance (1 of 4 stars; one submission).

Conditions:
Cardiovascular phenotype. Identifiers: MedGen CN230736.

Allele frequency attached by ClinVar (database versions not stated): TOPMed 0.00001.

Submission:

Ambry Genetics
Classification: Uncertain significance for Cardiovascular phenotype. Last evaluated: 2023-03-07. Review status: criteria provided, single submitter. Criteria: Ambry Variant Classification Scheme 2023. Collection method: clinical testing. Allele origin: germline.
Comment: The p.N1595K variant (also known as c.4785T>G), located in coding exon 26 of the APOB gene, results from a T to G substitution at nucleotide position 4785. The asparagine at codon 1595 is replaced by lysine, an amino acid with similar properties. This amino acid position is conserved. In addition, this alteration is predicted to be tolerated by in silico analysis. Since supporting evidence is limited at this time, the clinical significance of this alteration remains unclear.